The following is an entry in ClinVar:

NM_000104.4(CYP1B1):c.1331G>A (p.Arg444Gln)

Genes: CYP1B1 (cytochrome P450 family 1 subfamily B member 1; minus strand), LOC128772254 (melanoma risk locus-associated MPRA allelic enhancer 2:38298139; plus strand). Cytogenetic location: 2p22.2.
Variant type: single nucleotide variant.
Coding change: c.1331G>A on transcript NM_000104.4 (MANE Select); coding-DNA position 1331, G replaced by A.
Protein change: p.Arg444Gln; replaces arginine 444 with glutamine.
Molecular consequence: missense variant.
Genome position (GRCh38, 1-based): chr2:38,071,023, C>T on the plus strand (G>A on the coding strand, the complement: CYP1B1 is on the minus strand). VCF-style: chr2-38071023-C-T. GRCh37 (hg19) VCF-style: chr2-38298166-C-T.
Other names: NM_000104.4(CYP1B1):c.1331G>A; p.Arg444Gln; short protein forms R444Q.
Identifiers: ClinVar variation 845455 (VCV000845455.17), dbSNP rs72549376, ClinGen allele CA45506175.

ClinVar aggregate classification (germline): Pathogenic. Review status: reviewed by expert panel (3 of 4 stars). 7 submissions from 7 submitters: Pathogenic (1). 6 of the submissions do not count toward it. Last evaluated 2025-11-19.

Conditions:
Anterior segment dysgenesis. Also called: Ocular anterior segment dysgenesis. Identifiers: Orphanet 88632, MedGen C1862839, MONDO:0019503, HP:0007700.
CYP1B1-related glaucoma with or without anterior segment dysgenesis. Identifiers: MedGen CN375931, MONDO:0800472.
Congenital glaucoma. Identifiers: MedGen C0020302, MONDO:0020366.
Anterior segment dysgenesis 6 (ASGD6). Also called: Anterior segment dysgenesis 6, multiple subtypes. Identifiers: MedGen C4310623, MONDO:0015016, OMIM 617315.
Glaucoma 3A. Also called: Glaucoma 3, primary congenital, A. Identifiers: Orphanet 98976, Orphanet 98977, MedGen C1856439, MONDO:0009277, OMIM 231300.

Allele frequency attached by ClinVar (database versions not stated): gnomAD 0.00001; gnomAD exomes 0.00001 and 0.00002; TOPMed 0.00002.
gnomAD v4.1: 33 of 1,613,972 alleles (0.002%); highest among the groups gnomAD compares: East Asian, 0.0067%; no homozygotes.

Submissions (7):

ClinGen Glaucoma Variant Curation Expert Panel
Classification: Pathogenic for CYP1B1-related glaucoma with or without anterior segment dysgenesis. Last evaluated: 2025-11-19. Review status: reviewed by expert panel. Criteria: ClinGen CYP1B1 ACMG Specifications V1 Approved. Collection method: curation. Allele origin: germline. Inheritance: Autosomal recessive inheritance.
Comment: The c.1331G>A variant in CYP1B1 is a missense variant predicted to cause substitution of Arginine by Glutamine at amino acid 444 (p.Arg444Gln). The highest minor allele frequency of this variant was in the East Asian genetic ancestry group of gnomAD (v4.1.0) = 0.00006682 (3 alleles out of 44,896), which met the ≤ 0.0005 threshold set for PM2_Supporting in a genetic ancestry group of at least 2,000 alleles. The REVEL score = 0.828, which was within the 0.773-0.931 range for PP3_Moderate, predicting a damaging effect on CYP1B1 function. PS3_Supporting was not applied as the assays reported did not meet the OddsPath threshold (> 2.1) or the threshold for abnormal impact on protein function in the assay could not be determined (PMID: 27243976). 3 affected segregations with a CYP1B1-related phenotype have been reported (PMIDs: 27508083, 35087999), which fulfilled PP1_Strong. This variant has been identified in 6 individuals with a CYP1B1-related phenotype. 4 individuals are compound heterozygous for the variant and a pathogenic or likely pathogenic variant (3 confirmed in trans and 1 phase unknown) (PMIDs: 17718864, 21850185, 35087999). 2 individuals are homozygous (consanguineous) for the variant (PMIDs: 11239867, 27508083). Total proband points = 4, meeting PM3_Very strong. There were more cases published than presented here. In summary, this variant met the criteria to receive a score of 15 and to be classified as pathogenic (pathogenic classification ≥ 10, adapted from PMID: 32720330) for CYP1B1-related glaucoma with or without anterior segment dysgenesis (ASD) based on the ACMG/AMP criteria met, as specified by the ClinGen Glaucoma VCEP (v1.0, 06.11.2025): PM3_Very-Strong, PP1_Strong, PP3_Moderate, PM2_Supporting

Variantyx, Inc.
Classification: Pathogenic for Glaucoma 3A. Last evaluated: 2025-10-23. Review status: criteria provided, single submitter. Criteria: Variantyx Assertion Criteria 2022. Collection method: clinical testing. Allele origin: germline. Inheritance: Autosomal recessive inheritance. Affected: yes. Not counted in ClinVar's aggregate classification.
Comment: This is a nonsynonymous variant in the CYP1B1 gene (OMIM: 601771). Pathogenic variants in this gene have been associated with autosomal recessive primary congenital glaucoma 3A. Functional studies have shown that this variant alters CYP1B1 protein function (PMID: 27243976) (PS3_Moderate) and multiple computational algorithms predict a deleterious effect for this variant (REVEL score: 0.828) (PP3). This variant has a 0.0067% maximum allele frequency in non-founder control populations (PM2). Based on the current evidence, this variant is classified as pathogenic for autosomal recessive primary congenital glaucoma 3A.

Revvity Omics, Revvity
Classification: Pathogenic. Last evaluated: 2025-05-27. Review status: criteria provided, single submitter. Criteria: ACMG Guidelines, 2015. Collection method: clinical testing. Allele origin: germline. Not counted in ClinVar's aggregate classification.

Fulgent Genetics
Classification: Pathogenic for Glaucoma 3A; Anterior segment dysgenesis 6. Last evaluated: 2024-06-05. Review status: criteria provided, single submitter. Criteria: ACMG Guidelines, 2015. Collection method: clinical testing. Allele origin: germline. Not counted in ClinVar's aggregate classification.

Baylor Genetics
Classification: Pathogenic for Anterior segment dysgenesis 6. Last evaluated: 2024-03-13. Review status: criteria provided, single submitter. Criteria: ACMG Guidelines, 2015. Collection method: clinical testing. Allele origin: unknown. Not counted in ClinVar's aggregate classification.

Labcorp Genetics (formerly Invitae), Labcorp
Classification: Pathogenic for Congenital glaucoma. Last evaluated: 2023-08-07. Review status: criteria provided, single submitter. Criteria: Invitae Variant Classification Sherloc (09022015). Collection method: clinical testing. Allele origin: germline. Not counted in ClinVar's aggregate classification.
Comment: This variant is also known as G8168A and 8168G>A. This sequence change replaces arginine, which is basic and polar, with glutamine, which is neutral and polar, at codon 444 of the CYP1B1 protein (p.Arg444Gln). This variant is present in population databases (rs72549376, gnomAD 0.003%). This missense change has been observed in individuals with clinical features of primary congenital glaucoma (PMID: 11527932, 18852424, 24940937, 27508083). It has also been observed to segregate with disease in related individuals. ClinVar contains an entry for this variant (Variation ID: 845455). Advanced modeling of protein sequence and biophysical properties (such as structural, functional, and spatial information, amino acid conservation, physicochemical variation, residue mobility, and thermodynamic stability) has been performed at Invitae for this missense variant, however the output from this modeling did not meet the statistical confidence thresholds required to predict the impact of this variant on CYP1B1 protein function. Experimental studies have shown that this missense change affects CYP1B1 function (PMID: 27243976, 28192799). For these reasons, this variant has been classified as Pathogenic.

Eye Genetics Research Group, Children's Medical Research Institute
Classification: Pathogenic for Anterior segment dysgenesis. Last evaluated: 2020-03-31. Review status: no assertion criteria provided. Collection method: clinical testing. Allele origin: inherited. Affected: yes. Not counted in ClinVar's aggregate classification.

Literature cited by the submitters: PubMed 11527932 (cited by Variantyx, Inc. and Labcorp Genetics (formerly Invitae), Labcorp); PubMed 32499604 (cited by Variantyx, Inc. and Eye Genetics Research Group, Children's Medical Research Institute); PubMed 21850185 (cited by Variantyx, Inc.); PubMed 27243976 (cited by Variantyx, Inc. and Labcorp Genetics (formerly Invitae), Labcorp); PubMed 18852424 (cited by Labcorp Genetics (formerly Invitae), Labcorp); PubMed 24940937 (cited by Labcorp Genetics (formerly Invitae), Labcorp); PubMed 27508083 (cited by Labcorp Genetics (formerly Invitae), Labcorp); PubMed 28192799 (cited by Labcorp Genetics (formerly Invitae), Labcorp).